The following is an entry in ClinVar:

NM_000059.4(BRCA2):c.5720C>T (p.Ser1907Phe)

Gene: BRCA2 (BRCA2 DNA repair associated; plus strand). Cytogenetic location: 13q13.1.
Variant type: single nucleotide variant.
Coding change: c.5720C>T on transcript NM_000059.4 (MANE Select); coding-DNA position 5720, C replaced by T.
Protein change: p.Ser1907Phe; replaces serine 1907 with phenylalanine.
Molecular consequence: missense variant.
Genome position (GRCh38, 1-based): chr13:32,340,075, C>T. VCF-style: chr13-32340075-C-T. GRCh37 (hg19) VCF-style: chr13-32914212-C-T.
Other names: short protein forms S1907F.
Identifiers: ClinVar variation 462388 (VCV000462388.10), dbSNP rs1555284376, ClinGen allele CA387786848.

ClinVar aggregate classification (germline): Conflicting classifications of pathogenicity. Review status: criteria provided, conflicting classifications (1 of 4 stars). 2 submissions from 2 submitters: Uncertain significance (1); Likely benign (1). Last evaluated 2023-03-23.

Conditions:
Hereditary cancer-predisposing syndrome. Also called: Neoplastic Syndromes, Hereditary; Hereditary Cancer Syndrome; Hereditary neoplastic syndrome; Tumor predisposition. Identifiers: Orphanet 140162, MedGen C0027672, MeSH D009386, MONDO:0015356.
Hereditary breast ovarian cancer syndrome. Also called: Hereditary breast and ovarian cancer syndrome (HBOC); Hereditary breast and ovarian cancer syndrome; Breast and ovarian cancer; Hereditary breast and/or ovarian cancer syndrome; Hereditary breast and ovarian cancer; BRCA1- and BRCA2-Associated Hereditary Breast and Ovarian Cancer. Identifiers: Orphanet 145, MedGen C0677776, MeSH D061325, MONDO:0003582. Disease mechanism: loss of function.

Submissions (2):

University of Washington Department of Laboratory Medicine, University of Washington
Classification: Likely benign for Hereditary cancer-predisposing syndrome. Last evaluated: 2023-03-23. Review status: criteria provided, single submitter. Criteria: Dines et al. (Genet Med. 2020). Collection method: curation. Allele origin: germline.
Comment: Missense variant in a coldspot region where missense variants are very unlikely to be pathogenic (PMID:31911673).

BRCA2 exon 11 coldspot. Reclassification based on statistical prior probability.

Labcorp Genetics (formerly Invitae), Labcorp
Classification: Uncertain significance for Hereditary breast ovarian cancer syndrome. Last evaluated: 2017-07-19. Review status: criteria provided, single submitter. Criteria: Invitae Variant Classification Sherloc (09022015). Collection method: clinical testing. Allele origin: germline.
Comment: In summary, the available evidence is currently insufficient to determine the role of this variant in disease. Therefore, it has been classified as a Variant of Uncertain Significance. Algorithms developed to predict the effect of missense changes on protein structure and function do not agree on the potential impact of this missense change (SIFT: "Tolerated"; PolyPhen-2: "Probably Damaging"; Align-GVGD: "Class C0"). This variant has not been reported in the literature in individuals with BRCA2-related disease. This variant is not present in population databases (ExAC no frequency). This sequence change replaces serine with phenylalanine at codon 1907 of the BRCA2 protein (p.Ser1907Phe). The serine residue is moderately conserved and there is a large physicochemical difference between serine and phenylalanine.